The following is an entry in ClinVar:

ClinVar aggregate classification (germline): Pathogenic (1 of 4 stars; one submission).

Conditions:
Familial meningioma. Also called: Meningioma, familial, susceptibility to. Identifiers: Orphanet 263662, MedGen C3551915, MONDO:0011789, OMIM 607174.
Neurofibromatosis, type 2 (SWNV). Also called: NF2-Related Schwannomatosis; BILATERAL ACOUSTIC NEUROFIBROMATOSIS; SCHWANNOMATOSIS, VESTIBULAR. Identifiers: Orphanet 637, MedGen C0027832, MONDO:0007039, OMIM 101000. Disease mechanism: loss of function.

Submission:

Juno Genomics, Hangzhou Juno Genomics, Inc
Classification: Pathogenic for Neurofibromatosis, type 2; Familial meningioma. Review status: criteria provided, single submitter. Criteria: ACMG Guidelines, 2015. Collection method: clinical testing. Allele origin: germline. Affected: yes.
Comment: Absent from controls (or at extremely low frequency if recessive) in Genome Aggregation Database, Exome Sequencing Project, 1000 Genomes Project, or Exome Aggregation Consortium.;Null variant in a gene where loss of function (LOF) is a known mechanism of disease.;Patient's phenotype or family history is highly specific for a disease with a single genetic etiology.

NM_000268.4(NF2):c.600-1G>A

Gene: NF2 (NF2, moesin-ezrin-radixin like (MERLIN) tumor suppressor; plus strand). Cytogenetic location: 22q12.2.
Variant type: single nucleotide variant.
Coding change: c.600-1G>A on transcript NM_000268.4 (MANE Select); the canonical splice acceptor site of the intron before coding-DNA position 600, G replaced by A.
Molecular consequence: splice acceptor variant. On other transcripts: intron variant (1).
Genome position (GRCh38, 1-based): chr22:29,658,188, G>A. VCF-style: chr22-29658188-G-A. GRCh37 (hg19) VCF-style: chr22-30054177-G-A.
Other names: c.600-1G>A (NM_016418.5, NM_181832.3, NM_001407060.1 and 4 more transcripts); c.486-1G>A (NM_001407056.1, NM_001407053.1); c.369-1G>A (NM_001407067.1); c.66-1G>A (NM_001407065.1); c.447+15903G>A (NM_181833.3); c.477-1G>A (NM_001407058.1, NM_181829.3, NM_001407054.1 and 1 more transcripts); c.474-1G>A (NM_181828.3, NM_001407055.1); c.351-1G>A (NM_001407063.1, NM_181830.3, NM_001407064.1 and 1 more transcripts).
Identifiers: ClinVar variation 3382156 (VCV003382156.2).